The following is an entry in ClinVar:

ClinVar aggregate classification (germline): Benign/Likely benign. Review status: criteria provided, multiple submitters, no conflicts (2 of 4 stars). 6 submissions from 6 submitters: Benign (3); Likely benign (2). 1 of the submissions does not count toward it. Last evaluated 2026-01-28.

Conditions:
Methylcrotonyl-CoA carboxylase deficiency. Also called: Deficiency of methylcrotonoyl-CoA carboxylase; 3 Methylcrotonylglycinuria; 3-MCC Deficiency. Identifiers: Orphanet 6, MedGen C4551505, MONDO:0018950.
3-methylcrotonyl-CoA carboxylase 1 deficiency (MCC1D). Also called: MCCD TYPE 1; METHYLCROTONYLGLYCINURIA TYPE I; MCC 1 deficiency; 3 Alpha methylcrotonylglycinuria 1. Identifiers: Orphanet 6, MedGen CN028786, MONDO:0008861, OMIM 210200.

Allele frequency attached by ClinVar (database versions not stated): gnomAD exomes 0.00040 and 0.00103; ExAC 0.00129; gnomAD 0.00424 and 0.00445; ESP Exome Variant Server 0.00469; 1000 Genomes Project 0.00479; TOPMed 0.00479; 1000 Genomes Project 30x 0.00547.
gnomAD v4.1: 1,252 of 1,614,212 alleles (0.078%); highest among the groups gnomAD compares: African/African-American, 1.5%; 7 homozygotes.

Submissions (6):

Labcorp Genetics (formerly Invitae), Labcorp
Classification: Benign for 3-methylcrotonyl-CoA carboxylase 1 deficiency. Last evaluated: 2026-01-28. Review status: criteria provided, single submitter. Criteria: Invitae Variant Classification Sherloc (09022015). Collection method: clinical testing. Allele origin: germline.

CeGaT Center for Human Genetics Tuebingen
Classification: Likely benign. Last evaluated: 2024-12-01. Review status: criteria provided, single submitter. Criteria: CeGaT Center For Human Genetics Tuebingen Variant Classification Criteria Version 2. Collection method: clinical testing. Allele origin: germline. Affected: yes. Observed: 2 variant alleles.
Comment: MCCC1: BP4, BP7, BS1

Blueprint Genetics
Classification: Likely benign. Last evaluated: 2024-10-23. Review status: criteria provided, single submitter. Criteria: ACMG Guidelines, 2015. Collection method: clinical testing. Allele origin: germline.

GeneDx
Classification: Benign. Last evaluated: 2014-04-04. Review status: criteria provided, single submitter. Criteria: GeneDx Variant Classification (06012015). Collection method: clinical testing. Allele origin: germline. Affected: yes.
Comment: This variant is considered likely benign or benign based on one or more of the following criteria: it is a conservative change, it occurs at a poorly conserved position in the protein, it is predicted to be benign by multiple in silico algorithms, and/or has population frequency not consistent with disease.

Breakthrough Genomics
Classification: Benign. Review status: criteria provided, single submitter. Criteria: ACMG Guidelines, 2015. Collection method: not provided. Allele origin: germline. Inheritance: Autosomal recessive inheritance. Affected: yes.

Natera, Inc.
Classification: Benign for 3-methylcrotonylglycinuria. Last evaluated: 2020-09-16. Review status: no assertion criteria provided. Collection method: clinical testing. Allele origin: germline. Not counted in ClinVar's aggregate classification.

NM_020166.5(MCCC1):c.726T>C (p.Asp242=)

Gene: MCCC1 (methylcrotonyl-CoA carboxylase subunit 1; minus strand). Cytogenetic location: 3q27.1.
Variant type: single nucleotide variant.
Coding change: c.726T>C on transcript NM_020166.5 (MANE Select); coding-DNA position 726, T replaced by C.
Protein change: p.Asp242=; no amino-acid change (aspartic acid 242 retained).
Molecular consequence: synonymous variant. On other transcripts: non-coding transcript variant (2).
Genome position (GRCh38, 1-based): chr3:183,071,034, A>G on the plus strand (T>C on the coding strand, the complement: MCCC1 is on the minus strand). VCF-style: chr3-183071034-A-G. GRCh37 (hg19) VCF-style: chr3-182788822-A-G.
Other names: p.D242D:GAT>GAC; c.375T>C, p.Asp125= (NM_001293273.2); c.399T>C, p.Asp133= (NM_001363880.1).
Identifiers: ClinVar variation 138179 (VCV000138179.41), dbSNP rs36206712, ClinGen allele CA292028.
Genomic context (GRCh38, chr3:183,071,034, plus strand): 5'-AGTCAGAAAAATAAGGCCAACCCACCTCGGTGTGTCTACAAACTTCTCGATCAGCATAGC[A>G]TCATCATTGAAAGACTTCTTAGCTTCTCTCCGTGCTGACTCTAACTGTTCTTGAAATTCT-3'
Protein context (NP_064551.3, residues 232-252): RREAKKSFND[Asp242=]AMLIEKFVDT